The following is an entry in ClinVar:

NM_022552.5(DNMT3A):c.1829C>G (p.Ala610Gly)

Gene: DNMT3A (DNA methyltransferase 3 alpha; minus strand). Cytogenetic location: 2p23.3.
Variant type: single nucleotide variant.
Coding change: c.1829C>G on transcript NM_022552.5 (MANE Select); coding-DNA position 1829, C replaced by G.
Protein change: p.Ala610Gly; replaces alanine 610 with glycine.
Molecular consequence: missense variant. On other transcripts: non-coding transcript variant (1).
Genome position (GRCh38, 1-based): chr2:25,244,177, G>C on the plus strand (C>G on the coding strand, the complement: DNMT3A is on the minus strand). VCF-style: chr2-25244177-G-C. GRCh37 (hg19) VCF-style: chr2-25467046-G-C.
Other names: c.1373C>G, p.Ala458Gly (NM_001320893.1); c.1160C>G, p.Ala387Gly (NM_001375819.1); c.1262C>G, p.Ala421Gly (NM_153759.3); c.1829C>G, p.Ala610Gly (NM_175629.2); short protein forms A387G, A421G, A458G, A610G.
Identifiers: ClinVar variation 4532730 (VCV004532730.1).

ClinVar aggregate classification (germline): Uncertain significance (1 of 4 stars; one submission).

gnomAD v4.1: 1 of 1,613,834 alleles (0.000062%); highest among the groups gnomAD compares: African/African-American, 0.0013%; no homozygotes.

Submission:

GeneDx
Classification: Uncertain significance. Last evaluated: 2025-05-30. Review status: criteria provided, single submitter. Criteria: GeneDx Variant Classification Process June 2021. Collection method: clinical testing. Allele origin: germline. Affected: yes.
Comment: Not observed at significant frequency in large population cohorts (gnomAD); In silico analysis supports that this missense variant has a deleterious effect on protein structure/function and a deleterious effect on splicing; Has not been previously reported as a pathogenic or benign germline variant to our knowledge; This variant is associated with the following publications: (PMID: 38359296)